The following is an entry in ClinVar:

GRCh38/hg38 4q31.3-32.1(chr4:153986026-156952467)

Genes: ASIC5 (acid sensing ion channel subunit family member 5; minus strand), CTSO (cathepsin O; minus strand), DCHS2 (dachsous cadherin-related 2; minus strand), DCHS2-AS1 (DCHS2 antisense RNA 1; plus strand), FGA (fibrinogen alpha chain; minus strand) and 43 more. Cytogenetic location: 4q31.3-32.1.
Variant type: copy number loss.
Identifiers: ClinVar variation 3235952 (VCV003235952.1).

ClinVar aggregate classification (germline): Uncertain significance (1 of 4 stars; one submission).

Submission:

New York Genome Center
Classification: Uncertain significance. Last evaluated: 2023-02-16. Review status: criteria provided, single submitter. Criteria: NYGC Assertion Criteria 2020. Collection method: clinical testing. Allele origin: de novo. Observed: 1 variant allele. Study: PrenatalSEQ.
Comment: The exact ~2.97Mb deletion identified here is not reported in the literature to the best of our knowledge. Several interstitial deletions on 4q31-q32 involving the PDGFC gene have been reported in DECIPHER database without features of micrognathia or cleft lip/palate. Due to the lack of compelling evidence for its pathogenicity, the de novo ~2.97Mb deletion observed here is reported as a Variant of Uncertain Significance.